The following is an entry in ClinVar:

ClinVar aggregate classification (germline): Uncertain significance (1 of 4 stars; one submission).

Conditions:
Cardiovascular phenotype. Identifiers: MedGen CN230736.

gnomAD v4.1: 6 of 1,614,100 alleles (0.00037%); highest among the groups gnomAD compares: Non-Finnish European, 0.00051%; no homozygotes.

Submission:

Ambry Genetics
Classification: Uncertain significance for Cardiovascular phenotype. Last evaluated: 2024-07-07. Review status: criteria provided, single submitter. Criteria: Ambry Variant Classification Scheme 2023. Collection method: clinical testing. Allele origin: germline.
Comment: The p.V1128M variant (also known as c.3382G>A), located in coding exon 9 of the AKAP9 gene, results from a G to A substitution at nucleotide position 3382. The valine at codon 1128 is replaced by methionine, an amino acid with highly similar properties. This amino acid position is conserved. In addition, this alteration is predicted to be tolerated by in silico analysis. Based on the available evidence, the clinical significance of this variant remains unclear.

NM_005751.5(AKAP9):c.3382G>A (p.Val1128Met)

Gene: AKAP9 (A-kinase anchoring protein 9; plus strand). Cytogenetic location: 7q21.2.
Variant type: single nucleotide variant.
Coding change: c.3382G>A on transcript NM_005751.5 (MANE Select); coding-DNA position 3382, G replaced by A.
Protein change: p.Val1128Met; replaces valine 1128 with methionine.
Molecular consequence: missense variant.
Genome position (GRCh38, 1-based): chr7:92,012,492, G>A. VCF-style: chr7-92012492-G-A. GRCh37 (hg19) VCF-style: chr7-91641806-G-A.
Other names: c.3382G>A, p.Val1128Met (NM_147185.3); short protein forms V1128M.
Identifiers: ClinVar variation 3516176 (VCV003516176.1).